The following is an entry in ClinVar:

ClinVar aggregate classification (germline): Uncertain significance. Review status: criteria provided, multiple submitters, no conflicts (2 of 4 stars). 2 submissions from 2 submitters: Uncertain significance (2). Last evaluated 2026-07-22.

Allele frequency attached by ClinVar (database versions not stated): ExAC 0.00002.
gnomAD v4.1: 8 of 1,614,186 alleles (0.0005%); highest among the groups gnomAD compares: Admixed American, 0.0017%; no homozygotes.

Submissions (2):

GeneDx
Classification: Uncertain significance. Last evaluated: 2026-07-22. Review status: criteria provided, single submitter. Criteria: GeneDx Variant Classification Process June 2021. Collection method: clinical testing. Allele origin: germline.
Comment: In silico analysis supports that this missense variant has a deleterious effect on protein structure/function; Has not been previously published as pathogenic or benign to our knowledge

Women's Health and Genetics/Laboratory Corporation of America, LabCorp
Classification: Uncertain significance. Last evaluated: 2024-11-20. Review status: criteria provided, single submitter. Criteria: LabCorp Variant Classification Summary - May 2015. Collection method: clinical testing. Allele origin: germline.
Comment: Variant summary: SALL1 c.2282C>T (p.Pro761Leu) results in a non-conservative amino acid change located in the Zinc finger C2H2 type domain (IPR013087) of the encoded protein sequence. Four of five in-silico tools predict a damaging effect of the variant on protein function. The variant allele was found at a frequency of 1.2e-05 in 251490 control chromosomes (gnomAD). The available data on variant occurrences in the general population are insufficient to allow any conclusion about variant significance. To our knowledge, no occurrence of c.2282C>T in individuals affected with Townes-Brocks Syndrome 1 and no experimental evidence demonstrating its impact on protein function have been reported. ClinVar contains an entry for this variant (Variation ID: 3252137). Based on the evidence outlined above, the variant was classified as uncertain significance.

NM_002968.3(SALL1):c.2282C>T (p.Pro761Leu)

Gene: SALL1 (spalt like transcription factor 1; minus strand). Cytogenetic location: 16q12.1.
Variant type: single nucleotide variant.
Coding change: c.2282C>T on transcript NM_002968.3 (MANE Select); coding-DNA position 2282, C replaced by T.
Protein change: p.Pro761Leu; replaces proline 761 with leucine.
Molecular consequence: missense variant.
Genome position (GRCh38, 1-based): chr16:51,139,940, G>A on the plus strand (C>T on the coding strand, the complement: SALL1 is on the minus strand). VCF-style: chr16-51139940-G-A. GRCh37 (hg19) VCF-style: chr16-51173851-G-A.
Other names: c.1991C>T, p.Pro664Leu (NM_001127892.2); short protein forms P664L, P761L.
Identifiers: ClinVar variation 3252137 (VCV003252137.3), dbSNP rs767301795.